The following is an entry in ClinVar:

NM_006019.4(TCIRG1):c.335G>A (p.Arg112Gln)

Gene: TCIRG1 (T cell immune regulator 1, ATPase H+ transporting V0 subunit a3; plus strand). Cytogenetic location: 11q13.2.
Variant type: single nucleotide variant.
Coding change: c.335G>A on transcript NM_006019.4 (MANE Select); coding-DNA position 335, G replaced by A.
Protein change: p.Arg112Gln; replaces arginine 112 with glutamine.
Molecular consequence: missense variant. On other transcripts: 5 prime UTR variant (1).
Genome position (GRCh38, 1-based): chr11:68,042,781, G>A. VCF-style: chr11-68042781-G-A. GRCh37 (hg19) VCF-style: chr11-67810248-G-A.
Other names: c.-915G>A (NM_001351059.2); c.335G>A (NM_006019.3); short protein forms R112Q.
Identifiers: ClinVar variation 2169182 (VCV002169182.4), dbSNP rs1050500045, ClinGen allele CA224203007.

ClinVar aggregate classification (germline): Uncertain significance. Review status: criteria provided, multiple submitters, no conflicts (2 of 4 stars). 2 submissions from 2 submitters: Uncertain significance (2). Last evaluated 2025-03-27.

Conditions:
Inborn genetic diseases. Identifiers: MedGen C0950123, MeSH D030342.

Allele frequency attached by ClinVar (database versions not stated): gnomAD 0.00003; gnomAD exomes 0.00003; TOPMed 0.00004.

Submissions (2):

Labcorp Genetics (formerly Invitae), Labcorp
Classification: Uncertain significance. Last evaluated: 2025-03-27. Review status: criteria provided, single submitter. Criteria: Invitae Variant Classification Sherloc (09022015). Collection method: clinical testing. Allele origin: germline.
Comment: This sequence change replaces arginine, which is basic and polar, with glutamine, which is neutral and polar, at codon 112 of the TCIRG1 protein (p.Arg112Gln). This variant is present in population databases (no rsID available, gnomAD 0.02%). This variant has not been reported in the literature in individuals affected with TCIRG1-related conditions. ClinVar contains an entry for this variant (Variation ID: 2169182). Invitae Evidence Modeling of protein sequence and biophysical properties (such as structural, functional, and spatial information, amino acid conservation, physicochemical variation, residue mobility, and thermodynamic stability) indicates that this missense variant is not expected to disrupt TCIRG1 protein function with a negative predictive value of 80%. In summary, the available evidence is currently insufficient to determine the role of this variant in disease. Therefore, it has been classified as a Variant of Uncertain Significance.

Ambry Genetics
Classification: Uncertain significance for Inborn genetic diseases. Last evaluated: 2021-09-17. Review status: criteria provided, single submitter. Criteria: Ambry Variant Classification Scheme 2023. Collection method: clinical testing. Allele origin: germline.